The following is an entry in ClinVar:

NM_181507.2(HPS5):c.1568C>T (p.Pro523Leu)

Gene: HPS5 (HPS5 biogenesis of lysosomal organelles complex 2 subunit 2; minus strand). Cytogenetic location: 11p15.1.
Variant type: single nucleotide variant.
Coding change: c.1568C>T on transcript NM_181507.2 (MANE Select); coding-DNA position 1568, C replaced by T.
Protein change: p.Pro523Leu; replaces proline 523 with leucine.
Molecular consequence: missense variant.
Genome position (GRCh38, 1-based): chr11:18,296,065, G>A on the plus strand (C>T on the coding strand, the complement: HPS5 is on the minus strand). VCF-style: chr11-18296065-G-A. GRCh37 (hg19) VCF-style: chr11-18317612-G-A.
Other names: c.1226C>T, p.Pro409Leu (NM_007216.4, NM_181508.2); short protein forms P409L, P523L.
Identifiers: ClinVar variation 4036164 (VCV004036164.2).
Genomic context (GRCh38, chr11:18,296,065, plus strand): 5'-TTGACAGCCTGAAGAGACACAAGAGGAGATGGAGAACGAAATGGTAATGGAATGCCGAAC[G>A]GGAGAAAAGTTTCATTCTTATCTGTCTCAAACATCACTGGAGCATGAGAAACATTGTCTA-3'
Protein context (NP_852608.1, residues 513-533): FETDKNETFL[Pro523Leu]FGIPLPFRSP

ClinVar aggregate classification (germline): Uncertain significance. Review status: criteria provided, multiple submitters, no conflicts (2 of 4 stars). 2 submissions from 2 submitters: Uncertain significance (2). Last evaluated 2025-12-03.

Conditions:
Inborn genetic diseases. Identifiers: MedGen C0950123, MeSH D030342.

gnomAD v4.1: 37 of 1,612,834 alleles (0.0023%); highest among the groups gnomAD compares: Non-Finnish European, 0.0028%; no homozygotes.

Submissions (2):

Labcorp Genetics (formerly Invitae), Labcorp
Classification: Uncertain significance. Last evaluated: 2025-12-03. Review status: criteria provided, single submitter. Criteria: Invitae Variant Classification Sherloc (09022015). Collection method: clinical testing. Allele origin: germline.
Comment: This sequence change replaces proline, which is neutral and non-polar, with leucine, which is neutral and non-polar, at codon 523 of the HPS5 protein (p.Pro523Leu). This variant is present in population databases (rs375337479, gnomAD 0.002%). This variant has not been reported in the literature in individuals affected with HPS5-related conditions. ClinVar contains an entry for this variant (Variation ID: 4036164). An algorithm developed to predict the effect of missense changes on protein structure and function (PolyPhen-2) suggests that this variant is likely to be disruptive. In summary, the available evidence is currently insufficient to determine the role of this variant in disease. Therefore, it has been classified as a Variant of Uncertain Significance.

Ambry Genetics
Classification: Uncertain significance for Inborn genetic diseases. Last evaluated: 2025-05-07. Review status: criteria provided, single submitter. Criteria: Ambry Variant Classification Scheme 2023. Collection method: clinical testing. Allele origin: germline.